The following is an entry in ClinVar:

ClinVar aggregate classification (germline): Likely benign (1 of 4 stars; one submission).

Submission:

CeGaT Center for Human Genetics Tuebingen
Classification: Likely benign. Last evaluated: 2026-03-01. Review status: criteria provided, single submitter. Criteria: CeGaT Center For Human Genetics Tuebingen Variant Classification Criteria Version 2. Collection method: clinical testing. Allele origin: germline. Affected: yes. Observed: 1 variant allele.
Comment: KRTAP5-5: BP4, BP7

NM_001001480.3(KRTAP5-5):c.129A>C (p.Gly43=)

Gene: KRTAP5-5 (keratin associated protein 5-5; plus strand). Cytogenetic location: 11p15.5.
Variant type: single nucleotide variant.
Coding change: c.129A>C on transcript NM_001001480.3 (MANE Select); coding-DNA position 129, A replaced by C.
Protein change: p.Gly43=; no amino-acid change (glycine 43 retained).
Molecular consequence: synonymous variant.
Genome position (GRCh38, 1-based): chr11:1,629,969, A>C. VCF-style: chr11-1629969-A-C. GRCh37 (hg19) VCF-style: chr11-1651199-A-C.
Identifiers: ClinVar variation 4821101 (VCV004821101.4).